The following is an entry in ClinVar:

ClinVar aggregate classification (germline): Pathogenic (1 of 4 stars; one submission).

Conditions:
Juvenile polyposis syndrome (JPS). Identifiers: Orphanet 2929, MedGen C0345893, MONDO:0017380, OMIM 174900.

Submission:

Labcorp Genetics (formerly Invitae), Labcorp
Classification: Pathogenic for Juvenile polyposis syndrome. Last evaluated: 2021-03-23. Review status: criteria provided, single submitter. Criteria: Invitae Variant Classification Sherloc (09022015). Collection method: clinical testing. Allele origin: germline.
Comment: This variant is not present in population databases (ExAC no frequency). This sequence change creates a premature translational stop signal (p.Ile368Thrfs*32) in the BMPR1A gene. It is expected to result in an absent or disrupted protein product. Loss-of-function variants in BMPR1A are known to be pathogenic (PMID: 11536076, 12417513). For these reasons, this variant has been classified as Pathogenic. This variant has not been reported in the literature in individuals with BMPR1A-related conditions.

Literature cited by the submitters: PubMed 11536076; PubMed 12417513.

NM_004329.3(BMPR1A):c.1101_1102dup (p.Ile368fs)

Gene: BMPR1A (bone morphogenetic protein receptor type 1A; plus strand). Cytogenetic location: 10q23.2.
Variant type: Duplication.
Coding change: c.1101_1102dup on transcript NM_004329.3 (MANE Select); coding-DNA positions 1101 to 1102, 2 bases duplicated (CA; older notation c.1101_1102dupCA).
Protein change: p.Ile368fs; shifts the reading frame from isoleucine 368.
Molecular consequence: frameshift variant.
Genome position (GRCh38, 1-based): chr10:86,919,404-86,919,405, CA duplicated; duplicating any 2 consecutive bases within chr10:86,919,403-86,919,405 gives the same sequence; the c. name uses the placement nearest the transcript's 3' end. VCF-style (leftmost placement, unchanged base first): chr10-86919402-A-AAC. GRCh37 (hg19) VCF-style: chr10-88679159-A-AAC.
Other names: short protein forms I368fs.
Identifiers: ClinVar variation 1393823 (VCV001393823.6), dbSNP rs2133593245, ClinGen allele CA2573145714.